The following is an entry in ClinVar:

ClinVar aggregate classification (germline): Uncertain significance (1 of 4 stars; one submission).

Submission:

ISCA site 17
Classification: Uncertain significance. Last evaluated: 2011-08-12. Review status: criteria provided, single submitter. Criteria: Kaminsky et al. (Genet Med. 2011). Collection method: clinical testing. Allele origin: unknown. Affected: yes. Observed: 1 variant allele.
Comment: Copy number variation identified through the course of routine clinical cytogenomic testing in postnatal populations. Clinical assertions have been curated as described in Kaminsky et al. 2011.

GRCh38/hg38 20q13.33(chr20:64140190-64277321)x3

Genes: MYT1 (myelin transcription factor 1; plus strand), PCMTD2 (protein-L-isoaspartate (D-aspartate) O-methyltransferase domain containing 2; plus strand), LOC120285836 (VISTA enhancer hs2609; plus strand), LOC126863092 (CDK7 strongly-dependent group 2 enhancer GRCh37_chr20:62782949-62784148; plus strand). Cytogenetic location: 20q13.33.
Variant type: copy number gain.
Change: copy number 3 (three copies instead of two) of chr20:64,140,190-64,277,321 (137.1 kb, GRCh38 coordinates, 1-based), cytogenetic band 20q13.33.
Identifiers: ClinVar variation 59001 (VCV000059001.1).